The following is an entry in ClinVar:

NM_005585.5(SMAD6):c.786C>A (p.Asn262Lys)

Gene: SMAD6 (SMAD family member 6; plus strand). Cytogenetic location: 15q22.31.
Variant type: single nucleotide variant.
Coding change: c.786C>A on transcript NM_005585.5 (MANE Select); coding-DNA position 786, C replaced by A.
Protein change: p.Asn262Lys; replaces asparagine 262 with lysine.
Molecular consequence: missense variant. On other transcripts: non-coding transcript variant (1).
Genome position (GRCh38, 1-based): chr15:66,704,044, C>A. VCF-style: chr15-66704044-C-A. GRCh37 (hg19) VCF-style: chr15-66996382-C-A.
Other names: short protein forms N262K.
Identifiers: ClinVar variation 3224807 (VCV003224807.1), dbSNP rs1210275956, ClinGen allele CA392950245.

ClinVar aggregate classification (germline): Uncertain significance (1 of 4 stars; one submission).

Conditions:
Inborn genetic diseases. Identifiers: MedGen C0950123, MeSH D030342.

gnomAD v4.1: 1 of 1,510,890 alleles (0.000066%); highest among the groups gnomAD compares: Non-Finnish European, 0.000088%; no homozygotes.

Submission:

Ambry Genetics
Classification: Uncertain significance for Inborn genetic diseases. Last evaluated: 2024-02-25. Review status: criteria provided, single submitter. Criteria: Ambry Variant Classification Scheme 2023. Collection method: clinical testing. Allele origin: germline.
Comment: The p.N262K variant (also known as c.786C>A), located in coding exon 1 of the SMAD6 gene, results from a C to A substitution at nucleotide position 786. The asparagine at codon 262 is replaced by lysine, an amino acid with similar properties. This amino acid position is conserved. In addition, the in silico prediction for this alteration is inconclusive. Based on the available evidence, the clinical significance of this alteration remains unclear.